The following is an entry in ClinVar:

ClinVar aggregate classification (germline): Benign/Likely benign. Review status: criteria provided, multiple submitters, no conflicts (2 of 4 stars). 4 submissions from 4 submitters: Benign (2); Likely benign (2). Last evaluated 2026-08-01.

Conditions:
Epilepsy, early-onset, vitamin B6-dependent. Also called: PLPBP Deficiency; EPILEPSY, EARLY-ONSET, 1, VITAMIN B6-DEPENDENT. Identifiers: MedGen C4310632, MONDO:0015005, OMIM 617290.

Allele frequency attached by ClinVar (database versions not stated): gnomAD exomes 0.00018 and 0.00036; ExAC 0.00045; ESP Exome Variant Server 0.00138; gnomAD 0.00138 and 0.00141; TOPMed 0.00150; 1000 Genomes Project 30x 0.00172; 1000 Genomes Project 0.00180.
gnomAD v4.1: 495 of 1,608,530 alleles (0.031%); highest among the groups gnomAD compares: African/African-American, 0.52%; 1 homozygote.

Submissions (4):

CeGaT Center for Human Genetics Tuebingen
Classification: Likely benign. Last evaluated: 2026-08-01. Review status: criteria provided, single submitter. Criteria: CeGaT Center For Human Genetics Tuebingen Variant Classification Criteria Version 2. Collection method: clinical testing. Allele origin: germline. Affected: yes. Observed: 2 variant alleles.
Comment: PLPBP: BP4, BP7

Labcorp Genetics (formerly Invitae), Labcorp
Classification: Benign. Last evaluated: 2026-01-14. Review status: criteria provided, single submitter. Criteria: Invitae Variant Classification Sherloc (09022015). Collection method: clinical testing. Allele origin: germline.

ARUP Laboratories, Molecular Genetics and Genomics, ARUP Laboratories
Classification: Benign for Epilepsy, early-onset, vitamin B6-dependent. Last evaluated: 2025-03-06. Review status: criteria provided, single submitter. Criteria: ARUP Molecular Germline Variant Investigation Process 2024. Collection method: clinical testing. Allele origin: germline.

Blueprint Genetics
Classification: Likely benign. Last evaluated: 2024-10-09. Review status: criteria provided, single submitter. Criteria: ACMG Guidelines, 2015. Collection method: clinical testing. Allele origin: germline.

NM_007198.4(PLPBP):c.288C>T (p.His96=)

Gene: PLPBP (pyridoxal phosphate binding protein; plus strand). Cytogenetic location: 8p11.23.
Variant type: single nucleotide variant.
Coding change: c.288C>T on transcript NM_007198.4 (MANE Select); coding-DNA position 288, C replaced by T.
Protein change: p.His96=; no amino-acid change (histidine 96 retained).
Molecular consequence: synonymous variant.
Genome position (GRCh38, 1-based): chr8:37,766,324, C>T. VCF-style: chr8-37766324-C-T. GRCh37 (hg19) VCF-style: chr8-37623842-C-T.
Other names: c.288C>T, p.His96= (NM_001349346.2); c.282C>T, p.His94= (NM_001349347.2); c.132C>T, p.His44= (NM_001349348.2); c.393C>T, p.His131= (NM_001349349.1).
Identifiers: ClinVar variation 723349 (VCV000723349.16), dbSNP rs113010140, ClinGen allele CA4711193.